The following is an entry in ClinVar:

ClinVar aggregate classification (germline): Uncertain significance (1 of 4 stars; one submission).

Conditions:
Early-infantile DEE. Also called: Early infantile epileptic encephalopathy with suppression bursts; Early infantile epileptic encephalopathy; Ohtahara syndrome. Identifiers: Orphanet 1934, MedGen C0393706, MONDO:0800491.

Submission:

Labcorp Genetics (formerly Invitae), Labcorp
Classification: Uncertain significance for Early-infantile DEE. Last evaluated: 2021-12-22. Review status: criteria provided, single submitter. Criteria: Invitae Variant Classification Sherloc (09022015). Collection method: clinical testing. Allele origin: germline.
Comment: This sequence change replaces methionine, which is neutral and non-polar, with isoleucine, which is neutral and non-polar, at codon 959 of the SCN8A protein (p.Met959Ile). This variant is not present in population databases (gnomAD no frequency). This variant has not been reported in the literature in individuals affected with SCN8A-related conditions. Algorithms developed to predict the effect of missense changes on protein structure and function are either unavailable or do not agree on the potential impact of this missense change (SIFT: "Deleterious"; PolyPhen-2: "Benign"; Align-GVGD: "Class C0"). Algorithms developed to predict the effect of sequence changes on RNA splicing suggest that this variant may create or strengthen a splice site. In summary, the available evidence is currently insufficient to determine the role of this variant in disease. Therefore, it has been classified as a Variant of Uncertain Significance.

NM_001330260.2(SCN8A):c.2877G>A (p.Met959Ile)

Gene: SCN8A (sodium voltage-gated channel alpha subunit 8; plus strand). Cytogenetic location: 12q13.13.
Variant type: single nucleotide variant.
Coding change: c.2877G>A on transcript NM_001330260.2 (MANE Select); coding-DNA position 2877, G replaced by A.
Protein change: p.Met959Ile; replaces methionine 959 with isoleucine.
Molecular consequence: missense variant.
Genome position (GRCh38, 1-based): chr12:51,766,003, G>A. VCF-style: chr12-51766003-G-A. GRCh37 (hg19) VCF-style: chr12-52159787-G-A.
Other names: c.2877G>A, p.Met959Ile (NM_001177984.3, NM_001369788.1, NM_014191.4); short protein forms M959I.
Identifiers: ClinVar variation 1449652 (VCV001449652.7), dbSNP rs2138863091, ClinGen allele CA384889940.